The following is an entry in ClinVar:

ClinVar aggregate classification (germline): Uncertain significance (1 of 4 stars; one submission).

Conditions:
Cerebral creatine deficiency syndrome. Also called: Creatine deficiency syndromes. Identifiers: Orphanet 79172, MedGen C5244016, MONDO:0000456.

Submission:

Labcorp Genetics (formerly Invitae), Labcorp
Classification: Uncertain significance for Cerebral creatine deficiency syndrome. Last evaluated: 2022-07-18. Review status: criteria provided, single submitter. Criteria: Invitae Variant Classification Sherloc (09022015). Collection method: clinical testing. Allele origin: germline.
Comment: In summary, the available evidence is currently insufficient to determine the role of this variant in disease. Therefore, it has been classified as a Variant of Uncertain Significance. Algorithms developed to predict the effect of sequence changes on RNA splicing suggest that this variant may create or strengthen a splice site. Algorithms developed to predict the effect of missense changes on protein structure and function are either unavailable or do not agree on the potential impact of this missense change (SIFT: "Tolerated"; PolyPhen-2: "Probably Damaging"; Align-GVGD: "Class C0"). This variant has not been reported in the literature in individuals affected with GAMT-related conditions. This variant is not present in population databases (gnomAD no frequency). This sequence change replaces glutamine, which is neutral and polar, with glutamic acid, which is acidic and polar, at codon 193 of the GAMT protein (p.Gln193Glu).

NM_000156.6(GAMT):c.577C>G (p.Gln193Glu)

Gene: GAMT (guanidinoacetate N-methyltransferase; minus strand). Cytogenetic location: 19p13.3.
Variant type: single nucleotide variant.
Coding change: c.577C>G on transcript NM_000156.6 (MANE Select); coding-DNA position 577, C replaced by G.
Protein change: p.Gln193Glu; replaces glutamine 193 with glutamic acid.
Molecular consequence: missense variant.
Genome position (GRCh38, 1-based): chr19:1,397,493, G>C on the plus strand (C>G on the coding strand, the complement: GAMT is on the minus strand). VCF-style: chr19-1397493-G-C. GRCh37 (hg19) VCF-style: chr19-1397492-G-C.
Other names: short protein forms Q193E.
Identifiers: ClinVar variation 1988091 (VCV001988091.4), dbSNP rs2082607494, ClinGen allele CA402991048.
Genomic context (GRCh38, chr19:1,397,493, plus strand): 5'-CCATCACCTCCGTACGGATGTTCTCCCTCCGGAAGCCGGCCTCCAGCAGCGCGGGCACCT[G>C]CGTCTCCTGGTCGGGGATGGCACCAGGTCACCTCTGAGGGCCATGGGGGTCACGTGCACC-3'
Protein context (NP_000147.1, residues 183-203): SDITIMFEET[Gln193Glu]VPALLEAGFR